The following is an entry in ClinVar:

NM_000038.6(APC):c.3451G>C (p.Glu1151Gln)

Gene: APC (APC regulator of Wnt signaling pathway; plus strand). Cytogenetic location: 5q22.2.
Variant type: single nucleotide variant.
Coding change: c.3451G>C on transcript NM_000038.6 (MANE Select); coding-DNA position 3451, G replaced by C.
Protein change: p.Glu1151Gln; replaces glutamic acid 1151 with glutamine.
Molecular consequence: missense variant.
Genome position (GRCh38, 1-based): chr5:112,839,045, G>C. VCF-style: chr5-112839045-G-C. GRCh37 (hg19) VCF-style: chr5-112174742-G-C.
Other names: c.3451G>C, p.Glu1151Gln (NM_001127510.3, NM_001354895.2); c.3397G>C, p.Glu1133Gln (NM_001127511.3); c.3505G>C, p.Glu1169Gln (NM_001354896.2); c.3481G>C, p.Glu1161Gln (NM_001354897.2); c.3376G>C, p.Glu1126Gln (NM_001354898.2); c.3367G>C, p.Glu1123Gln (NM_001354899.2); c.3328G>C, p.Glu1110Gln (NM_001354900.2); c.3274G>C, p.Glu1092Gln (NM_001354901.2); and 5 more; short protein forms E1151Q, E1133Q, E1060Q, E1169Q, E1050Q, E1092Q, E1126Q, E868Q.
Identifiers: ClinVar variation 482329 (VCV000482329.17), dbSNP rs1554085013, ClinGen allele CA16028900.

ClinVar aggregate classification (germline): Uncertain significance. Review status: criteria provided, multiple submitters, no conflicts (2 of 4 stars). 2 submissions from 2 submitters: Uncertain significance (2). Last evaluated 2025-02-11.

Conditions:
Hereditary cancer-predisposing syndrome. Also called: Neoplastic Syndromes, Hereditary; Tumor predisposition; Hereditary Cancer Syndrome; Hereditary neoplastic syndrome. Identifiers: Orphanet 140162, MedGen C0027672, MeSH D009386, MONDO:0015356.
Familial adenomatous polyposis 1 (FAP1). Also called: FAMILIAL ADENOMATOUS POLYPOSIS 1, ATTENUATED; POLYPOSIS, ADENOMATOUS INTESTINAL. Identifiers: MedGen C2713442, MONDO:0021056, OMIM 175100. Disease mechanism: loss of function.

Allele frequency attached by ClinVar (database versions not stated): gnomAD exomes below 0.00001.
gnomAD v4.1: 4 of 1,614,014 alleles (0.00025%); highest among the groups gnomAD compares: Non-Finnish European, 0.00034%; no homozygotes.

Submissions (2):

Ambry Genetics
Classification: Uncertain significance for Hereditary cancer-predisposing syndrome. Last evaluated: 2025-02-11. Review status: criteria provided, single submitter. Criteria: Ambry Variant Classification Scheme 2023. Collection method: clinical testing. Allele origin: germline.
Comment: The p.E1151Q variant (also known as c.3451G>C), located in coding exon 15 of the APC gene, results from a G to C substitution at nucleotide position 3451. The glutamic acid at codon 1151 is replaced by glutamine, an amino acid with highly similar properties. This amino acid position is well conserved in available vertebrate species. In addition, in silico predictors for this gene do not accurately predict pathogenicity. Missense alterations in APC are not a common cause of disease (Spier I et al. Genet Med. 2024 Feb;26(2):100992). Based on the available evidence, the clinical significance of this variant remains unclear.

Labcorp Genetics (formerly Invitae), Labcorp
Classification: Uncertain significance for Familial adenomatous polyposis 1. Last evaluated: 2024-05-28. Review status: criteria provided, single submitter. Criteria: Invitae Variant Classification Sherloc (09022015). Collection method: clinical testing. Allele origin: germline.
Comment: This sequence change replaces glutamic acid, which is acidic and polar, with glutamine, which is neutral and polar, at codon 1151 of the APC protein (p.Glu1151Gln). This variant is not present in population databases (gnomAD no frequency). This variant has not been reported in the literature in individuals affected with APC-related conditions. ClinVar contains an entry for this variant (Variation ID: 482329). Advanced modeling of protein sequence and biophysical properties (such as structural, functional, and spatial information, amino acid conservation, physicochemical variation, residue mobility, and thermodynamic stability) performed at Invitae indicates that this missense variant is not expected to disrupt APC protein function with a negative predictive value of 95%. In summary, the available evidence is currently insufficient to determine the role of this variant in disease. Therefore, it has been classified as a Variant of Uncertain Significance.